The following is an entry in ClinVar:

NM_004565.3(PEX14):c.118C>T (p.Arg40Trp)

Gene: PEX14 (peroxisomal biogenesis factor 14; plus strand). Cytogenetic location: 1p36.22.
Variant type: single nucleotide variant.
Coding change: c.118C>T on transcript NM_004565.3 (MANE Select); coding-DNA position 118, C replaced by T.
Protein change: p.Arg40Trp; replaces arginine 40 with tryptophan.
Molecular consequence: missense variant.
Genome position (GRCh38, 1-based): chr1:10,536,246, C>T. VCF-style: chr1-10536246-C-T. GRCh37 (hg19) VCF-style: chr1-10596303-C-T.
Other names: short protein forms R40W.
Identifiers: ClinVar variation 874498 (VCV000874498.7), dbSNP rs770183471, ClinGen allele CA583715.
Genomic context (GRCh38, chr1:10,536,246, plus strand): 5'-ACTCCTCTATTTTCTCTCTCTCACCAGATTGCCACGGCAGTGAAGTTTCTACAGAATTCC[C>T]GGGTCCGCCAGAGCCCACTTGCAACCAGGAGAGCATTCCTAAAGAAGAAAGGTACAGGTT-3'
Protein context (NP_004556.1, residues 30-50): ATAVKFLQNS[Arg40Trp]VRQSPLATRR

ClinVar aggregate classification (germline): Uncertain significance. Review status: criteria provided, multiple submitters, no conflicts (2 of 4 stars). 2 submissions from 2 submitters: Uncertain significance (2). Last evaluated 2024-07-15.

Conditions:
Peroxisome biogenesis disorder 13A (Zellweger). Also called: Peroxisome biogenesis disorder 13A. Identifiers: Orphanet 912, MedGen C3554004, MONDO:0013952, OMIM 614887.
Peroxisome biogenesis disorder, complementation group K (CGK). Identifiers: MedGen C1866257, MONDO:0800365.

Allele frequency attached by ClinVar (database versions not stated): gnomAD exomes 0.00002; ExAC 0.00002; gnomAD 0.00003; TOPMed 0.00005.
gnomAD v4.1: 38 of 1,612,066 alleles (0.0024%); highest among the groups gnomAD compares: Non-Finnish European, 0.0026%; 1 homozygote.

Submissions (2):

Labcorp Genetics (formerly Invitae), Labcorp
Classification: Uncertain significance for Peroxisome biogenesis disorder, complementation group K. Last evaluated: 2024-07-15. Review status: criteria provided, single submitter. Criteria: Invitae Variant Classification Sherloc (09022015). Collection method: clinical testing. Allele origin: germline.
Comment: This sequence change replaces arginine, which is basic and polar, with tryptophan, which is neutral and slightly polar, at codon 40 of the PEX14 protein (p.Arg40Trp). This variant is present in population databases (rs770183471, gnomAD 0.005%). This variant has not been reported in the literature in individuals affected with PEX14-related conditions. ClinVar contains an entry for this variant (Variation ID: 874498). Advanced modeling of protein sequence and biophysical properties (such as structural, functional, and spatial information, amino acid conservation, physicochemical variation, residue mobility, and thermodynamic stability) has been performed at Invitae for this missense variant, however the output from this modeling did not meet the statistical confidence thresholds required to predict the impact of this variant on PEX14 protein function. In summary, the available evidence is currently insufficient to determine the role of this variant in disease. Therefore, it has been classified as a Variant of Uncertain Significance.

Illumina Laboratory Services, Illumina
Classification: Uncertain significance for Peroxisome biogenesis disorder 13A (Zellweger). Last evaluated: 2017-04-28. Review status: criteria provided, single submitter. Criteria: ICSL Variant Classification Criteria 13 December 2019. Collection method: clinical testing. Allele origin: germline.